The following is an entry in ClinVar:

ClinVar aggregate classification (germline): Conflicting classifications of pathogenicity. Review status: criteria provided, conflicting classifications (1 of 4 stars). 2 submissions from 2 submitters: Uncertain significance (1); Likely benign (1). Last evaluated 2025-10-08.

Conditions:
Cardiovascular phenotype. Identifiers: MedGen CN230736.
Brugada syndrome. Also called: Sudden unexpected nocturnal death syndrome; Sudden unexplained nocturnal death syndrome; Sudden Unexplained Death Syndrome; Sudden Unexplained Nocturnal Death Syndrome (SUNDS). Identifiers: Orphanet 130, MedGen C1142166, MONDO:0015263.

Allele frequency attached by ClinVar (database versions not stated): ExAC 0.00001; gnomAD exomes 0.00001.

Submissions (2):

Labcorp Genetics (formerly Invitae), Labcorp
Classification: Likely benign for Brugada syndrome. Last evaluated: 2025-10-08. Review status: criteria provided, single submitter. Criteria: Invitae Variant Classification Sherloc (09022015). Collection method: clinical testing. Allele origin: germline.

Ambry Genetics
Classification: Uncertain significance for Cardiovascular phenotype. Last evaluated: 2023-06-09. Review status: criteria provided, single submitter. Criteria: Ambry Variant Classification Scheme 2023. Collection method: clinical testing. Allele origin: germline.
Comment: The c.3576C>A variant (also known as p.V1192V), located in coding exon 20 of the SCN10A gene, results from a C to A substitution at nucleotide position 3576. This nucleotide substitution does not change the valine at codon 1192. This nucleotide position is poorly conserved in available vertebrate species. In silico splice site analysis for this alteration is inconclusive. The evidence for this gene-disease relationship is limited; therefore, the clinical significance of this alteration is unclear.

NM_006514.4(SCN10A):c.3576C>A (p.Val1192=)

Gene: SCN10A (sodium voltage-gated channel alpha subunit 10; minus strand). Cytogenetic location: 3p22.2.
Variant type: single nucleotide variant.
Coding change: c.3576C>A on transcript NM_006514.4 (MANE Select); coding-DNA position 3576, C replaced by A.
Protein change: p.Val1192=; no amino-acid change (valine 1192 retained).
Molecular consequence: synonymous variant.
Genome position (GRCh38, 1-based): chr3:38,718,758, G>T on the plus strand (C>A on the coding strand, the complement: SCN10A is on the minus strand). VCF-style: chr3-38718758-G-T. GRCh37 (hg19) VCF-style: chr3-38760249-G-T.
Other names: c.3573C>A, p.Val1191= (NM_001293306.2); c.3282C>A, p.Val1094= (NM_001293307.2).
Identifiers: ClinVar variation 2563724 (VCV002563724.3), dbSNP rs769399952, ClinGen allele CA2320189.